The following is an entry in ClinVar:

ClinVar aggregate classification (germline): Likely pathogenic (1 of 4 stars; one submission).

Conditions:
Autosomal recessive nonsyndromic hearing loss 63. Identifiers: Orphanet 90636, MedGen C1969621, MONDO:0012670, OMIM 611451.

Allele frequency attached by ClinVar (database versions not stated): gnomAD exomes 0.00001.

Submission:

3billion
Classification: Likely pathogenic for Autosomal recessive nonsyndromic hearing loss 63. Last evaluated: 2022-09-01. Review status: criteria provided, single submitter. Criteria: ACMG Guidelines, 2015. Collection method: clinical testing. Allele origin: germline. Affected: yes. Observed: 1 heterozygote.
Comment: The variant is observed at an extremely low frequency in the gnomAD v2.1.1 dataset (total allele frequency: 0.003%). It is predicted to result in a loss or disruption of normal protein function through protein truncation. The predicted truncated protein may be shortened by more than 10%. The variant has been reported to be associated with LRTOMT-related disorder (PMID: 25788562 / 3billion dataset). Therefore, this variant is classified as Likely pathogenic according to the recommendation of ACMG/AMP guideline.

Literature cited by the submitters: PubMed 25788562.

NM_001145308.5(LRTOMT):c.566del (p.Ile189fs)

Genes: TOMT (transmembrane O-methyltransferase; plus strand), ANAPC15 (anaphase promoting complex subunit 15; minus strand), LRTOMT (leucine rich transmembrane and O-methyltransferase domain containing; plus strand). Cytogenetic location: 11q13.4.
Variant type: Deletion.
Coding change: c.566del on transcript NM_001145308.5; coding-DNA position 566, one base deleted (T; older notation c.566delT).
Protein change: p.Ile189fs; shifts the reading frame from isoleucine 189.
Molecular consequence: frameshift variant. On other transcripts: 3 prime UTR variant (3), non-coding transcript variant (1), intron variant (7).
Genome position (GRCh38, 1-based): chr11:72,108,615, T deleted. VCF-style (leftmost placement, unchanged base first): chr11-72108614-AT-A. GRCh37 (hg19) VCF-style: chr11-71819660-AT-A.
Other names: c.467del, p.Ile156fs (NM_001393500.2); c.566del, p.Ile189fs (NM_001145309.4); c.446del, p.Ile149fs (NM_001145310.4); c.*204del (NM_001393443.1, NM_001393444.1, NM_001393445.1); c.64-1010del (NM_001393459.1); c.319-1010del (NM_001393430.1, NM_001393429.1, NM_001393428.1 and 3 more transcripts); short protein forms I149fs, I156fs, I189fs.
Identifiers: ClinVar variation 1705515 (VCV001705515.1), dbSNP rs1391956558, ClinGen allele CA600242748.
Genomic context (GRCh38, chr11:72,108,614, plus strand): 5'-TGGGAGAACAATTCCCCCCACCCTCACCTCCAGCTCCCCCTATCCCCACAGGTGGAGCTC[AT>A]CGTGGGCAGCTCAGAGGACGTGATCCCGTGCCTACGCACCCAGTATCAGCTGAGTCGGGC-3'